The following is an entry in ClinVar:

ClinVar aggregate classification (germline): Uncertain significance (1 of 4 stars; one submission).

Submission:

GeneDx
Classification: Uncertain significance. Last evaluated: 2024-06-14. Review status: criteria provided, single submitter. Criteria: GeneDx Variant Classification Process June 2021. Collection method: clinical testing. Allele origin: germline. Affected: yes.
Comment: Not observed at significant frequency in large population cohorts (gnomAD); In silico analysis indicates that this missense variant does not alter protein structure/function; Has not been previously published as pathogenic or benign to our knowledge

NM_001127222.2(CACNA1A):c.6523A>G (p.Thr2175Ala)

Gene: CACNA1A (calcium voltage-gated channel subunit alpha1 A; minus strand). Cytogenetic location: 19p13.13.
Variant type: single nucleotide variant.
Coding change: c.6523A>G on transcript NM_001127222.2 (MANE Select); coding-DNA position 6523, A replaced by G.
Protein change: p.Thr2175Ala; replaces threonine 2175 with alanine.
Molecular consequence: missense variant.
Genome position (GRCh38, 1-based): chr19:13,209,315, T>C on the plus strand (A>G on the coding strand, the complement: CACNA1A is on the minus strand). VCF-style: chr19-13209315-T-C. GRCh37 (hg19) VCF-style: chr19-13320129-T-C.
Other names: c.6541A>G, p.Thr2181Ala (NM_000068.4, NM_023035.3); c.6526A>G, p.Thr2176Ala (NM_001127221.2); c.6532A>G, p.Thr2178Ala (NM_001174080.2); short protein forms T2175A, T2176A, T2178A, T2181A.
Identifiers: ClinVar variation 3390458 (VCV003390458.1).